The following is an entry in ClinVar:

ClinVar aggregate classification (germline): Uncertain significance. Review status: criteria provided, multiple submitters, no conflicts (2 of 4 stars). 2 submissions from 2 submitters: Uncertain significance (2). Last evaluated 2022-04-07.

Allele frequency attached by ClinVar (database versions not stated): gnomAD 0.00001; TOPMed below 0.00001.
gnomAD v4.1: 1 of 1,499,590 alleles (0.000067%); highest among the groups gnomAD compares: Non-Finnish European, 0.000088%; no homozygotes.

Submissions (2):

GeneDx
Classification: Uncertain significance. Last evaluated: 2022-04-07. Review status: criteria provided, single submitter. Criteria: GeneDx Variant Classification Process June 2021. Collection method: clinical testing. Allele origin: germline. Affected: yes.
Comment: Not observed at significant frequency in large population cohorts (gnomAD); In silico analysis supports that this missense variant has a deleterious effect on protein structure/function; Has not been previously published as pathogenic or benign to our knowledge

Laboratory for Molecular Medicine, Mass General Brigham Personalized Medicine
Classification: Uncertain significance. Last evaluated: 2018-05-03. Review status: criteria provided, single submitter. Criteria: LMM Criteria. Collection method: clinical testing. Allele origin: germline. Observed: 2 variant alleles.
Comment: The p.Ser24Tyr variant in SOX10 has not been previously reported in individuals with Waardenburg syndrome and was absent from large population studies. Computat ional prediction tools and conservation analyses do not provide strong support f or or against an impact to the protein. In summary, the clinical significance of the p.Ser24Tyr variant is uncertain. ACMG/AMP criteria applied: PM2

NM_006941.4(SOX10):c.71C>A (p.Ser24Tyr)

Genes: POLR2F (RNA polymerase II, I and III subunit F; plus strand), SOX10 (SRY-box transcription factor 10; minus strand). Cytogenetic location: 22q13.1.
Variant type: single nucleotide variant.
Coding change: c.71C>A on transcript NM_006941.4 (MANE Select); coding-DNA position 71, C replaced by A.
Protein change: p.Ser24Tyr; replaces serine 24 with tyrosine.
Molecular consequence: missense variant. On other transcripts: intron variant (3).
Genome position (GRCh38, 1-based): chr22:37,983,714, G>T on the plus strand (C>A on the coding strand, the complement: SOX10 is on the minus strand). VCF-style: chr22-37983714-G-T. GRCh37 (hg19) VCF-style: chr22-38379721-G-T.
Other names: c.*38+11404G>T (NM_001363825.1); c.294-2440G>T (NM_001301130.2); c.293+16544G>T (NM_001301131.2); short protein forms S24Y.
Identifiers: ClinVar variation 666923 (VCV000666923.7), dbSNP rs1339336077, ClinGen allele CA411502204.